The following is an entry in ClinVar:

ClinVar aggregate classification (germline): Pathogenic (1 of 4 stars; one submission).

Submission:

Labcorp Genetics (formerly Invitae), Labcorp
Classification: Pathogenic. Last evaluated: 2023-11-15. Review status: criteria provided, single submitter. Criteria: Invitae Variant Classification Sherloc (09022015). Collection method: clinical testing. Allele origin: germline.
Comment: This sequence change creates a premature translational stop signal (p.Arg345*) in the SLC4A1 gene. It is expected to result in an absent or disrupted protein product. Loss-of-function variants in SLC4A1 are known to be pathogenic (PMID: 8943874, 10926824, 23255290). This variant is not present in population databases (gnomAD no frequency). This variant has not been reported in the literature in individuals affected with SLC4A1-related conditions. For these reasons, this variant has been classified as Pathogenic.

Literature cited by the submitters: PubMed 8943874; PubMed 10926824; PubMed 23255290.

NM_000342.4(SLC4A1):c.1032_1033insT (p.Arg345Ter)

Gene: SLC4A1 (solute carrier family 4 member 1 (Diego blood group); minus strand). Cytogenetic location: 17q21.31.
Variant type: Insertion.
Coding change: c.1032_1033insT on transcript NM_000342.4 (MANE Select); coding-DNA positions 1032 to 1033, T inserted.
Protein change: p.Arg345Ter; replaces arginine 345 with a stop codon.
Molecular consequence: nonsense.
Genome position: GRCh38 VCF-style: chr17-44258467-T-TA. GRCh37 (hg19) VCF-style: chr17-42335835-T-TA.
Other names: short protein forms R345*.
Identifiers: ClinVar variation 2696008 (VCV002696008.3), dbSNP rs2509967323, ClinGen allele CA2697559947.